The following is an entry in ClinVar:

ClinVar aggregate classification (germline): Pathogenic. Review status: criteria provided, multiple submitters, no conflicts (2 of 4 stars). 3 submissions from 3 submitters: Pathogenic (2). 1 of the submissions does not count toward it. Last evaluated 2025-06-09.

Conditions:
Hermansky-Pudlak syndrome (HPS). Also called: ALBINISM WITH HEMORRHAGIC DIATHESIS AND PIGMENTED RETICULOENDOTHELIAL CELLS. Identifiers: Orphanet 79430, MedGen C0079504, MONDO:0019312.
HPS5-related disorder. Also called: HPS5-related condition.

Submissions (3):

Labcorp Genetics (formerly Invitae), Labcorp
Classification: Pathogenic. Last evaluated: 2025-06-09. Review status: criteria provided, single submitter. Criteria: Invitae Variant Classification Sherloc (09022015). Collection method: clinical testing. Allele origin: germline.
Comment: This sequence change creates a premature translational stop signal (p.Glu247Glyfs*5) in the HPS5 gene. It is expected to result in an absent or disrupted protein product. Loss-of-function variants in HPS5 are known to be pathogenic (PMID: 12548288, 15296495, 21833017, 26785811). This variant is present in population databases (rs761811248, gnomAD 0.01%). This variant has not been reported in the literature in individuals affected with HPS5-related conditions. ClinVar contains an entry for this variant (Variation ID: 3019035). For these reasons, this variant has been classified as Pathogenic.

Women's Health and Genetics/Laboratory Corporation of America, LabCorp
Classification: Pathogenic for Hermansky-Pudlak syndrome. Last evaluated: 2024-01-11. Review status: criteria provided, single submitter. Criteria: LabCorp Variant Classification Summary - May 2015. Collection method: clinical testing. Allele origin: germline.
Comment: Variant summary: HPS5 c.739dupG (p.Glu247GlyfsX5) results in a premature termination codon, predicted to cause absence of the protein due to nonsense mediated decay, which is a commonly known mechanism for disease. The variant allele was found at a frequency of 1.6e-05 in 251476 control chromosomes. To our knowledge, no occurrence of c.739dupG in individuals affected with Hermansky-Pudlak Syndrome and no experimental evidence demonstrating its impact on protein function have been reported. No submitters have cited clinical-significance assessments for this variant to ClinVar. Based on the evidence outlined above, the variant was classified as pathogenic.

PreventionGenetics, part of Exact Sciences
Classification: Likely pathogenic for HPS5-related condition. Last evaluated: 2024-03-21. Review status: no assertion criteria provided. Collection method: clinical testing. Allele origin: germline. Not counted in ClinVar's aggregate classification.
Comment: The HPS5 c.739dupG variant is predicted to result in a frameshift and premature protein termination (p.Glu247Glyfs*5). To our knowledge, this variant has not been reported in the literature. This variant is reported in 0.012% of alleles in individuals of Latino descent in gnomAD. Frameshift variants in HPS5 are expected to be pathogenic. This variant is interpreted as likely pathogenic.

Literature cited by the submitters: PubMed 12548288 (cited by Labcorp Genetics (formerly Invitae), Labcorp); PubMed 15296495 (cited by Labcorp Genetics (formerly Invitae), Labcorp); PubMed 21833017 (cited by Labcorp Genetics (formerly Invitae), Labcorp); PubMed 26785811 (cited by Labcorp Genetics (formerly Invitae), Labcorp).

NM_181507.2(HPS5):c.739dup (p.Glu247fs)

Gene: HPS5 (HPS5 biogenesis of lysosomal organelles complex 2 subunit 2; minus strand). Cytogenetic location: 11p15.1.
Variant type: Duplication.
Coding change: c.739dup on transcript NM_181507.2 (MANE Select); coding-DNA position 739, one base duplicated (G; older notation c.739dupG).
Protein change: p.Glu247fs; shifts the reading frame from glutamic acid 247.
Molecular consequence: frameshift variant.
Genome position (GRCh38, 1-based): chr11:18,306,220, C duplicated on the plus strand (G on the coding strand, the reverse complement: HPS5 is on the minus strand); the first of 3 consecutive C bases (chr11:18,306,220-18,306,222); duplicating any one gives the same sequence. VCF-style (leftmost placement, unchanged base first): chr11-18306219-T-TC. GRCh37 (hg19) VCF-style: chr11-18327766-T-TC.
Other names: c.739dupG (NM_181507.2, NM_181507.1); c.397dup, p.Glu133fs (NM_007216.4); c.395dup, p.Glu133Glyfs (NM_181508.2); short protein forms E247fs, E133fs.
Identifiers: ClinVar variation 3019035 (VCV003019035.5), dbSNP rs761811248, ClinGen allele CA5910355.